The following is an entry in ClinVar:

ClinVar aggregate classification (germline): Uncertain significance (1 of 4 stars; one submission).

Conditions:
Hereditary sensory neuropathy-deafness-dementia syndrome. Also called: NEUROPATHY, HEREDITARY SENSORY, WITH HEARING LOSS AND DEMENTIA; Hereditary Sensory and Autonomic Neuropathy Type 1E (HSAN1E); HSN IE; Hereditary sensory neuropathy type IE. Identifiers: Orphanet 456318, MedGen C3279885, MONDO:0013584, OMIM 614116.

Allele frequency attached by ClinVar (database versions not stated): gnomAD 0.00001; TOPMed 0.00001.
gnomAD v4.1: 8 of 1,613,870 alleles (0.0005%); highest among the groups gnomAD compares: Non-Finnish European, 0.00059%; no homozygotes.

Submission:

Labcorp Genetics (formerly Invitae), Labcorp
Classification: Uncertain significance for Hereditary sensory neuropathy-deafness-dementia syndrome. Last evaluated: 2023-08-18. Review status: criteria provided, single submitter. Criteria: Invitae Variant Classification Sherloc (09022015). Collection method: clinical testing. Allele origin: germline.
Comment: This variant is present in population databases (rs201167482, gnomAD 0.0009%). In summary, the available evidence is currently insufficient to determine the role of this variant in disease. Therefore, it has been classified as a Variant of Uncertain Significance. Advanced modeling of protein sequence and biophysical properties (such as structural, functional, and spatial information, amino acid conservation, physicochemical variation, residue mobility, and thermodynamic stability) performed at Invitae indicates that this missense variant is not expected to disrupt DNMT1 protein function. This variant has not been reported in the literature in individuals affected with DNMT1-related conditions. This sequence change replaces isoleucine, which is neutral and non-polar, with leucine, which is neutral and non-polar, at codon 1370 of the DNMT1 protein (p.Ile1370Leu).

NM_001130823.3(DNMT1):c.4108A>C (p.Ile1370Leu)

Gene: DNMT1 (DNA methyltransferase 1; minus strand). Cytogenetic location: 19p13.2.
Variant type: single nucleotide variant.
Coding change: c.4108A>C on transcript NM_001130823.3 (MANE Select); coding-DNA position 4108, A replaced by C.
Protein change: p.Ile1370Leu; replaces isoleucine 1370 with leucine.
Molecular consequence: missense variant.
Genome position (GRCh38, 1-based): chr19:10,138,446, T>G on the plus strand (A>C on the coding strand, the complement: DNMT1 is on the minus strand). VCF-style: chr19-10138446-T-G. GRCh37 (hg19) VCF-style: chr19-10249122-T-G.
Other names: c.4060A>C, p.Ile1354Leu (NM_001318730.2, NM_001379.4); c.3745A>C, p.Ile1249Leu (NM_001318731.2); short protein forms I1249L, I1354L, I1370L.
Identifiers: ClinVar variation 2905174 (VCV002905174.3), dbSNP rs201167482, ClinGen allele CA305219741.
Genomic context (GRCh38, chr19:10,138,446, plus strand): 5'-GAGCTACTGAGGCCTGCTCGGCAGTGTGTGGAGGAGCGACGGGGGCCACCTACCTGGTTA[T>G]GTTGCTCACAAACTTCTTGTCATCCACCACCACGCTCAGCTGGCAGGCCCGGGGAGCAAA-3'
Protein context (NP_001124295.1, residues 1360-1380): VVDDKKFVSN[Ile1370Leu]TRLSSGPFRT